The following is an entry in ClinVar:

ClinVar aggregate classification (germline): Likely benign (0 of 4 stars; one submission).

Conditions:
NTN1-related disorder. Also called: NTN1-related condition.

Allele frequency attached by ClinVar (database versions not stated): gnomAD exomes 0.00004; ExAC 0.00011; 1000 Genomes Project 0.00020; 1000 Genomes Project 30x 0.00031; ESP Exome Variant Server 0.00031; TOPMed 0.00040; gnomAD 0.00044.
gnomAD v4.1: 128 of 1,614,046 alleles (0.0079%); highest among the groups gnomAD compares: African/African-American, 0.15%; 1 homozygote.

Submission:

PreventionGenetics, part of Exact Sciences
Classification: Likely benign for NTN1-related condition. Last evaluated: 2021-08-04. Review status: no assertion criteria provided. Collection method: clinical testing. Allele origin: germline.
Comment: This variant is classified as likely benign based on ACMG/AMP sequence variant interpretation guidelines (Richards et al. 2015 PMID: 25741868, with internal and published modifications).

NM_004822.3(NTN1):c.1377G>A (p.Pro459=)

Gene: NTN1 (netrin 1; plus strand). Cytogenetic location: 17p13.1.
Variant type: single nucleotide variant.
Coding change: c.1377G>A on transcript NM_004822.3 (MANE Select); coding-DNA position 1377, G replaced by A.
Protein change: p.Pro459=; no amino-acid change (proline 459 retained).
Molecular consequence: synonymous variant.
Genome position (GRCh38, 1-based): chr17:9,182,935, G>A. VCF-style: chr17-9182935-G-A. GRCh37 (hg19) VCF-style: chr17-9086252-G-A.
Identifiers: ClinVar variation 3035969 (VCV003035969.2), dbSNP rs368540968, ClinGen allele CA8381223.